The following is an entry in ClinVar:

ClinVar aggregate classification (germline): Uncertain significance. Review status: criteria provided, multiple submitters, no conflicts (2 of 4 stars). 2 submissions from 2 submitters: Uncertain significance (2). Last evaluated 2025-09-29.

Conditions:
Hereditary cancer-predisposing syndrome. Also called: Neoplastic Syndromes, Hereditary; Hereditary neoplastic syndrome; Hereditary Cancer Syndrome; Tumor predisposition. Identifiers: Orphanet 140162, MedGen C0027672, MeSH D009386, MONDO:0015356.
Ataxia-telangiectasia syndrome (AT). Also called: ATAXIA-TELANGIECTASIA, FRESNO VARIANT; Ataxia-telangiectasia, complementation group D; Cerebello-oculocutaneous telangiectasia; Immunodeficiency with ataxia telangiectasia; Ataxia-telangiectasia; Ataxia telangiectasia (A-T). Identifiers: Orphanet 100, MedGen C0004135, MONDO:0008840, OMIM 208900.

Submissions (2):

Labcorp Genetics (formerly Invitae), Labcorp
Classification: Uncertain significance for Ataxia-telangiectasia syndrome. Last evaluated: 2025-09-29. Review status: criteria provided, single submitter. Criteria: Invitae Variant Classification Sherloc (09022015). Collection method: clinical testing. Allele origin: germline.
Comment: This sequence change replaces lysine, which is basic and polar, with arginine, which is basic and polar, at codon 1625 of the ATM protein (p.Lys1625Arg). This variant is not present in population databases (gnomAD no frequency). This variant has not been reported in the literature in individuals affected with ATM-related conditions. ClinVar contains an entry for this variant (Variation ID: 659078). Invitae Evidence Modeling of protein sequence and biophysical properties (such as structural, functional, and spatial information, amino acid conservation, physicochemical variation, residue mobility, and thermodynamic stability) indicates that this missense variant is not expected to disrupt ATM protein function with a negative predictive value of 95%. In summary, the available evidence is currently insufficient to determine the role of this variant in disease. Therefore, it has been classified as a Variant of Uncertain Significance.

Ambry Genetics
Classification: Uncertain significance for Hereditary cancer-predisposing syndrome. Last evaluated: 2024-05-10. Review status: criteria provided, single submitter. Criteria: Ambry Variant Classification Scheme 2023. Collection method: clinical testing. Allele origin: germline.
Comment: The p.K1625R variant (also known as c.4874A>G), located in coding exon 31 of the ATM gene, results from an A to G substitution at nucleotide position 4874. The lysine at codon 1625 is replaced by arginine, an amino acid with highly similar properties. This amino acid position is conserved. In addition, the in silico prediction for this alteration is inconclusive. Based on the available evidence, the clinical significance of this variant remains unclear.

NM_000051.4(ATM):c.4874A>G (p.Lys1625Arg)

Gene: ATM (ATM serine/threonine kinase; plus strand). Cytogenetic location: 11q22.3.
Variant type: single nucleotide variant.
Coding change: c.4874A>G on transcript NM_000051.4 (MANE Select); coding-DNA position 4874, A replaced by G.
Protein change: p.Lys1625Arg; replaces lysine 1625 with arginine.
Molecular consequence: missense variant.
Genome position (GRCh38, 1-based): chr11:108,295,024, A>G. VCF-style: chr11-108295024-A-G. GRCh37 (hg19) VCF-style: chr11-108165751-A-G.
Other names: c.4874A>G, p.Lys1625Arg (NM_001351834.2); short protein forms K1625R.
Identifiers: ClinVar variation 659078 (VCV000659078.8), dbSNP rs1591685009, ClinGen allele CA382537126.